The following is an entry in ClinVar:

ClinVar aggregate classification (germline): Uncertain significance (1 of 4 stars; one submission).

Allele frequency attached by ClinVar (database versions not stated): gnomAD exomes below 0.00001.
gnomAD v4.1: 2 of 1,613,906 alleles (0.00012%); highest among the groups gnomAD compares: Non-Finnish European, 0.00017%; no homozygotes.

Submission:

Ambry Genetics
Classification: Uncertain significance. Last evaluated: 2022-08-03. Review status: criteria provided, single submitter. Criteria: Ambry Variant Classification Scheme 2023. Collection method: clinical testing. Allele origin: germline.
Comment: The p.G552R variant (also known as c.1654G>A), located in coding exon 9 of the PALLD gene, results from a G to A substitution at nucleotide position 1654. The glycine at codon 552 is replaced by arginine, an amino acid with dissimilar properties. This amino acid position is conserved. In addition, this alteration is predicted to be tolerated by in silico analysis. Since supporting evidence is limited at this time, the clinical significance of this alteration remains unclear.

NM_001166108.2(PALLD):c.1654G>A (p.Gly552Arg)

Gene: PALLD (palladin, cytoskeletal associated protein; plus strand). Cytogenetic location: 4q32.3.
Variant type: single nucleotide variant.
Coding change: c.1654G>A on transcript NM_001166108.2 (MANE Select); coding-DNA position 1654, G replaced by A.
Protein change: p.Gly552Arg; replaces glycine 552 with arginine.
Molecular consequence: missense variant.
Genome position (GRCh38, 1-based): chr4:168,711,613, G>A. VCF-style: chr4-168711613-G-A. GRCh37 (hg19) VCF-style: chr4-169632764-G-A.
Other names: c.508G>A, p.Gly170Arg (NM_001166109.2); c.1654G>A, p.Gly552Arg (NM_016081.4); short protein forms G552R, G170R.
Identifiers: ClinVar variation 1777320 (VCV001777320.2), dbSNP rs1373537697, ClinGen allele CA358797923.